The following is an entry in ClinVar:

ClinVar aggregate classification (germline): Uncertain significance (1 of 4 stars; one submission).

Allele frequency attached by ClinVar (database versions not stated): gnomAD exomes below 0.00001; TOPMed below 0.00001.
gnomAD v4.1: 1 of 1,614,122 alleles (0.000062%); highest among the groups gnomAD compares: African/African-American, 0.0013%; no homozygotes.

Submission:

Labcorp Genetics (formerly Invitae), Labcorp
Classification: Uncertain significance. Last evaluated: 2023-03-21. Review status: criteria provided, single submitter. Criteria: Invitae Variant Classification Sherloc (09022015). Collection method: clinical testing. Allele origin: germline.
Comment: This sequence change replaces isoleucine, which is neutral and non-polar, with valine, which is neutral and non-polar, at codon 1432 of the SON protein (p.Ile1432Val). This variant is not present in population databases (gnomAD no frequency). This variant has not been reported in the literature in individuals affected with SON-related conditions. ClinVar contains an entry for this variant (Variation ID: 1951039). Algorithms developed to predict the effect of missense changes on protein structure and function output the following: SIFT: "Not Available"; PolyPhen-2: "Benign"; Align-GVGD: "Not Available". The valine amino acid residue is found in multiple mammalian species, which suggests that this missense change does not adversely affect protein function. In summary, the available evidence is currently insufficient to determine the role of this variant in disease. Therefore, it has been classified as a Variant of Uncertain Significance.

NM_138927.4(SON):c.4294A>G (p.Ile1432Val)

Gene: SON (SON DNA and RNA binding protein; plus strand). Cytogenetic location: 21q22.11.
Variant type: single nucleotide variant.
Coding change: c.4294A>G on transcript NM_138927.4 (MANE Select); coding-DNA position 4294, A replaced by G.
Protein change: p.Ile1432Val; replaces isoleucine 1432 with valine.
Molecular consequence: missense variant. On other transcripts: non-coding transcript variant (1), intron variant (1).
Genome position (GRCh38, 1-based): chr21:33,553,525, A>G. VCF-style: chr21-33553525-A-G. GRCh37 (hg19) VCF-style: chr21-34925831-A-G.
Other names: c.4294A>G, p.Ile1432Val (NM_001291411.2, NM_001412133.1, NM_032195.3 and 2 more transcripts); c.245-3631A>G (NM_001291412.3); short protein forms I1432V.
Identifiers: ClinVar variation 1951039 (VCV001951039.5), dbSNP rs2085870578, ClinGen allele CA410162321.